The following is an entry in ClinVar:

NM_001868.4(CPA1):c.419C>G (p.Pro140Arg)

Gene: CPA1 (carboxypeptidase A1; plus strand). Cytogenetic location: 7q32.2.
Variant type: single nucleotide variant.
Coding change: c.419C>G on transcript NM_001868.4 (MANE Select); coding-DNA position 419, C replaced by G.
Protein change: p.Pro140Arg; replaces proline 140 with arginine.
Molecular consequence: missense variant.
Genome position (GRCh38, 1-based): chr7:130,382,145, C>G. VCF-style: chr7-130382145-C-G. GRCh37 (hg19) VCF-style: chr7-130021986-C-G.
Other names: short protein forms P140R.
Identifiers: ClinVar variation 1738614 (VCV001738614.2), dbSNP rs1186893434, ClinGen allele CA369280911.

ClinVar aggregate classification (germline): Uncertain significance (1 of 4 stars; one submission).

Conditions:
Hereditary pancreatitis (PCTT). Also called: Hereditary chronic pancreatitis; PRSS1-Related Hereditary Pancreatitis. Identifiers: Orphanet 676, MedGen C0238339, MONDO:0008185, OMIM 167800.

gnomAD v4.1: 9 of 1,614,206 alleles (0.00056%); highest among the groups gnomAD compares: East Asian, 0.02%; no homozygotes.

Submission:

Ambry Genetics
Classification: Uncertain significance for Hereditary pancreatitis. Last evaluated: 2024-02-24. Review status: criteria provided, single submitter. Criteria: Ambry Variant Classification Scheme 2023. Collection method: clinical testing. Allele origin: germline.
Comment: The p.P140R variant (also known as c.419C>G), located in coding exon 4 of the CPA1 gene, results from a C to G substitution at nucleotide position 419. The proline at codon 140 is replaced by arginine, an amino acid with dissimilar properties. This amino acid position is conserved. In addition, this alteration is predicted to be tolerated by in silico analysis. Since supporting evidence is limited at this time, the clinical significance of this alteration remains unclear.